The following is an entry in ClinVar:

NM_001357.5(DHX9):c.594T>A (p.Tyr198Ter)

Gene: DHX9 (DExH-box helicase 9; plus strand). Cytogenetic location: 1q25.3.
Variant type: single nucleotide variant.
Coding change: c.594T>A on transcript NM_001357.5 (MANE Select); coding-DNA position 594, T replaced by A.
Protein change: p.Tyr198Ter; replaces tyrosine 198 with a stop codon.
Molecular consequence: nonsense. On other transcripts: non-coding transcript variant (1).
Genome position (GRCh38, 1-based): chr1:182,854,146, T>A. VCF-style: chr1-182854146-T-A. GRCh37 (hg19) VCF-style: chr1-182823281-T-A.
Other names: short protein forms Y198*.
Identifiers: ClinVar variation 1710412 (VCV001710412.3), dbSNP rs2526356940, ClinGen allele CA343654444.

ClinVar aggregate classification (germline): Uncertain significance (1 of 4 stars; one submission).

Submission:

Greenwood Genetic Center Diagnostic Laboratories, Greenwood Genetic Center
Classification: Uncertain significance. Last evaluated: 2022-09-21. Review status: criteria provided, single submitter. Criteria: ACMG Guidelines, 2015. Collection method: clinical testing. Allele origin: germline. Affected: yes.
Comment: Gene of Uncertain Significance